The following is an entry in ClinVar:

ClinVar aggregate classification (germline): Pathogenic (1 of 4 stars; one submission).

Submission:

GeneDx
Classification: Pathogenic. Last evaluated: 2018-12-05. Review status: criteria provided, single submitter. Criteria: GeneDx Variant Classification (06012015). Collection method: clinical testing. Allele origin: germline. Affected: yes.
Comment: The c.3404dupT variant in the KDM5C gene has not been reported previously as a pathogenic variant nor as a benign variant, to our knowledge. This variant causes a frameshift starting with codon Serine 1136, changes this amino acid to a Valine residue, and creates a premature Stop codon at position 68 of the new reading frame, denoted p.Ser1136ValfsX68. This variant is predicted to cause loss of normal protein function either through protein truncation or nonsense-mediated mRNA decay. The c.3404dupT variant was not observed in approximately 6500 individuals of European and African American ancestry in the NHLBI Exome Sequencing Project, indicating it is not a common benign variant in these populations. We interpret c.3404dupT as a pathogenic variant.

NM_004187.5(KDM5C):c.3404dup (p.Ser1136fs)

Gene: KDM5C (lysine demethylase 5C; minus strand). Cytogenetic location: Xp11.22.
Variant type: Duplication.
Coding change: c.3404dup on transcript NM_004187.5 (MANE Select); coding-DNA position 3404, one base duplicated (T; older notation c.3404dupT).
Protein change: p.Ser1136fs; shifts the reading frame from serine 1136.
Molecular consequence: frameshift variant. On other transcripts: non-coding transcript variant (3).
Genome position (GRCh38, 1-based): chrX:53,194,965, A duplicated on the plus strand (T on the coding strand, the reverse complement: KDM5C is on the minus strand). VCF-style (leftmost placement, unchanged base first): chrX-53194964-C-CA. GRCh37 (hg19) VCF-style: chrX-53224146-C-CA.
Other names: c.3203dup, p.Ser1069fs (NM_001146702.2); c.3401dup, p.Ser1135fs (NM_001282622.3, NM_001353979.2, NM_001353982.2); c.3404dup, p.Ser1136fs (NM_001353978.3, NM_001353981.2, NM_001353984.2); short protein forms S1135fs, S1069fs, S1136fs.
Identifiers: ClinVar variation 373050 (VCV000373050.2), dbSNP rs1057518172, ClinGen allele CA16043264.